The following is an entry in ClinVar:

ClinVar aggregate classification (germline): Benign. Review status: reviewed by expert panel (3 of 4 stars). 25 submissions from 23 submitters: Benign (1). 24 of the submissions do not count toward it. Last evaluated 2025-11-11.

Conditions:
Myosin storage myopathy (CMYO7A). Also called: MYOPATHY WITH LYSIS OF TYPE I MYOFIBRILS; MYOPATHY, HYALINE BODY, AUTOSOMAL DOMINANT; MYH7-related late-onset scapuloperoneal muscular dystrophy; Congenital myopathy 7A, myosin storage, autosomal dominant; SCAPULOPERONEAL MUSCULAR DYSTROPHY; SCAPULOPERONEAL SYNDROME, MYOPATHIC TYPE. Identifiers: Orphanet 437572, Orphanet 636965, MedGen C1842160, MONDO:0008409, OMIM 608358.
Cardiovascular phenotype. Identifiers: MedGen CN230736.
Cardiomyopathy (CMYO). Also called: Cardiomyopathies. Identifiers: Orphanet 167848, MedGen C0878544, MONDO:0004994, HP:0001638. Inheritance: Various modes of inheritance.
MYH7-related skeletal myopathy. Also called: Myopathy, distal, 1; Laing distal myopathy; Laing early-onset distal myopathy; MYOPATHY, DISTAL, EARLY-ONSET, AUTOSOMAL DOMINANT; MYOPATHY, LATE DISTAL HEREDITARY. Identifiers: Orphanet 59135, MedGen C4552004, MONDO:0008050, OMIM 160500.
Hypertrophic cardiomyopathy 1 (CMH1). Also called: MYH7-Related Familial Hypertrophic Cardiomyopathy; Familial hypertrophic cardiomyopathy 1. Identifiers: MedGen C3495498, MONDO:0008647, OMIM 192600.
Hypertrophic cardiomyopathy. Also called: HYPERTROPHIC MYOCARDIOPATHY. Identifiers: Orphanet 217569, MedGen C0007194, MeSH D002312, MONDO:0005045, HP:0001639.

Allele frequency attached by ClinVar (database versions not stated): 1000 Genomes Project 0.00579; 1000 Genomes Project 30x 0.00609; gnomAD 0.00853 and 0.00877; TOPMed 0.00961; gnomAD exomes 0.01026 and 0.01394; ESP Exome Variant Server 0.01076; ExAC 0.01092.
gnomAD v4.1: 21,553 of 1,614,236 alleles (1.3%); highest among the groups gnomAD compares: Middle Eastern, 3.2%; 187 homozygotes.

Submissions (25):

ClinGen Cardiomyopathy Variant Curation Expert Panel
Classification: Benign for Hypertrophic cardiomyopathy. Last evaluated: 2025-11-11. Review status: reviewed by expert panel. Criteria: ClinGen CMP ACMG Specifications v1. Collection method: curation. Allele origin: germline. Inheritance: Autosomal dominant inheritance.
Comment: The filtering allele frequency of the c.597A>G (p.Ala199=) variant in the MYH7 gene is 1.44% (1013/66740) of European chromosomes by the Exome Aggregation Consortium, which is a high enough frequency to be classified as benign based on thresholds defined by the ClinGen Inherited Cardiomyopathy Expert Panel (BA1; PMID:29300372).

Labcorp Genetics (formerly Invitae), Labcorp
Classification: Benign for Hypertrophic cardiomyopathy. Last evaluated: 2026-02-04. Review status: criteria provided, single submitter. Criteria: Invitae Variant Classification Sherloc (09022015). Collection method: clinical testing. Allele origin: germline. Not counted in ClinVar's aggregate classification.

ARUP Laboratories, Molecular Genetics and Genomics, ARUP Laboratories
Classification: Benign. Last evaluated: 2025-07-23. Review status: criteria provided, single submitter. Criteria: ARUP Molecular Germline Variant Investigation Process 2024. Collection method: clinical testing. Allele origin: germline. Not counted in ClinVar's aggregate classification.

Blueprint Genetics
Classification: Likely benign. Last evaluated: 2024-11-27. Review status: criteria provided, single submitter. Criteria: ACMG Guidelines, 2015. Collection method: clinical testing. Allele origin: germline. Not counted in ClinVar's aggregate classification.

All of Us Research Program, National Institutes of Health
Classification: Benign for Cardiomyopathy. Last evaluated: 2024-02-05. Review status: criteria provided, single submitter. Criteria: ACMG Guidelines, 2015. Collection method: clinical testing. Allele origin: germline. Inheritance: Autosomal dominant inheritance. Observed: 2,745 variant alleles, 2,722 heterozygotes, 23 homozygotes. Not counted in ClinVar's aggregate classification.
Comment: This study involves interpretation of variants in research participants for the purpose of population health screening. Participant phenotype was not available at the time of variant classification. Additional details can be found in publication PMID: 35346344, PMCID: PMC8962531

Mayo Clinic Laboratories, Mayo Clinic
Classification: Benign. Last evaluated: 2023-08-09. Review status: criteria provided, single submitter. Criteria: ACMG Guidelines, 2015. Collection method: clinical testing. Allele origin: germline. Observed: 70 variant alleles. Not counted in ClinVar's aggregate classification.
Comment: BA1

CHEO Genetics Diagnostic Laboratory, Children's Hospital of Eastern Ontario
Classification: Benign for Cardiomyopathy. Last evaluated: 2022-11-07. Review status: criteria provided, single submitter. Criteria: ACMG Guidelines, 2015. Collection method: clinical testing. Allele origin: germline. Not counted in ClinVar's aggregate classification.

Cohesion Phenomics
Classification: Benign for Hypertrophic Cardiomyopathy. Last evaluated: 2022-10-10. Review status: criteria provided, single submitter. Criteria: ACMG Guidelines, 2015. Collection method: clinical testing. Allele origin: germline. Affected: yes. Not counted in ClinVar's aggregate classification.

Molecular Diagnostic Laboratory for Inherited Cardiovascular Disease, Montreal Heart Institute
Classification: Benign. Last evaluated: 2019-09-24. Review status: criteria provided, single submitter. Criteria: ACMG Guidelines, 2015. Collection method: clinical testing. Allele origin: germline. Affected: yes. Not counted in ClinVar's aggregate classification.

Color Diagnostics, LLC DBA Color Health
Classification: Benign for Cardiomyopathy. Last evaluated: 2018-03-05. Review status: criteria provided, single submitter. Criteria: ACMG Guidelines, 2015. Collection method: clinical testing. Allele origin: germline. Not counted in ClinVar's aggregate classification.

Illumina Laboratory Services, Illumina
Classification: Likely benign for Hypertrophic cardiomyopathy 1. Last evaluated: 2018-01-13. Review status: criteria provided, single submitter. Criteria: ICSL Variant Classification Criteria 13 December 2019. Collection method: clinical testing. Allele origin: germline. Not counted in ClinVar's aggregate classification.
Comment: This variant was observed in the ICSL laboratory as part of a predisposition screen in an ostensibly healthy population. It had not been previously curated by ICSL or reported in the Human Gene Mutation Database (HGMD: prior to June 1st, 2018), and was therefore a candidate for classification through an automated scoring system. Utilizing variant allele frequency, disease prevalence and penetrance estimates, and inheritance mode, an automated score was calculated to assess if this variant is too frequent to cause the disease. Based on the score and internal cut-off values, a variant classified as likely benign is not then subjected to further curation. The score for this variant resulted in a classification of likely benign for this disease.

Illumina Laboratory Services, Illumina
Classification: Benign for Myosin storage myopathy. Last evaluated: 2018-01-13. Review status: criteria provided, single submitter. Criteria: ICSL Variant Classification Criteria 13 December 2019. Collection method: clinical testing. Allele origin: germline. Not counted in ClinVar's aggregate classification.
Comment: This variant was observed in the ICSL laboratory as part of a predisposition screen in an ostensibly healthy population. It had not been previously curated by ICSL or reported in the Human Gene Mutation Database (HGMD: prior to June 1st, 2018), and was therefore a candidate for classification through an automated scoring system. Utilizing variant allele frequency, disease prevalence and penetrance estimates, and inheritance mode, an automated score was calculated to assess if this variant is too frequent to cause the disease. Based on the score and internal cut-off values, a variant classified as benign is not then subjected to further curation. The score for this variant resulted in a classification of benign for this disease.

Illumina Laboratory Services, Illumina
Classification: Benign for MYH7-related skeletal myopathy. Last evaluated: 2018-01-13. Review status: criteria provided, single submitter. Criteria: ICSL Variant Classification Criteria 13 December 2019. Collection method: clinical testing. Allele origin: germline. Not counted in ClinVar's aggregate classification.
Comment: the same text as in the submission from Illumina Laboratory Services, Illumina above.

Ambry Genetics
Classification: Benign for Cardiovascular phenotype. Last evaluated: 2015-06-29. Review status: criteria provided, single submitter. Criteria: Ambry Variant Classification Scheme 2023. Collection method: clinical testing. Allele origin: germline. Not counted in ClinVar's aggregate classification.

GeneDx
Classification: Benign. Last evaluated: 2015-03-03. Review status: criteria provided, single submitter. Criteria: GeneDx Variant Classification Process June 2021. Collection method: clinical testing. Allele origin: germline. Affected: yes. Not counted in ClinVar's aggregate classification.

Genetic Services Laboratory, University of Chicago
Classification: Benign. Last evaluated: 2015-02-10. Review status: criteria provided, single submitter. Criteria: ACMG Guidelines, 2015. Collection method: clinical testing. Allele origin: germline. Not counted in ClinVar's aggregate classification.

Laboratory for Molecular Medicine, Mass General Brigham Personalized Medicine
Classification: Benign. Last evaluated: 2010-05-02. Review status: criteria provided, single submitter. Criteria: LMM Criteria. Collection method: clinical testing. Allele origin: germline. Observed: 135 variant alleles. Not counted in ClinVar's aggregate classification.
Comment: The Ala199Ala silent variant is not expected to have clinical significance becau se it does not alter an amino acid residue and is not located near a splice junc tion. In addition, it is present in 1-3% of the general population (dbSNP rs2069 541).

Breakthrough Genomics
Classification: Benign. Review status: criteria provided, single submitter. Criteria: ACMG Guidelines, 2015. Collection method: not provided. Allele origin: germline. Inheritance: Autosomal recessive inheritance. Affected: yes. Not counted in ClinVar's aggregate classification.

PreventionGenetics, part of Exact Sciences
Classification: Benign. Review status: criteria provided, single submitter. Criteria: ACMG Guidelines, 2015. Collection method: clinical testing. Allele origin: germline. Not counted in ClinVar's aggregate classification.

Clinical Genetics DNA and cytogenetics Diagnostics Lab, Erasmus MC, Erasmus Medical Center
Classification: Benign. Review status: no assertion criteria provided. Collection method: clinical testing. Allele origin: germline. Affected: yes. Study: VKGL Data-share Consensus. Not counted in ClinVar's aggregate classification.

Clinical Genetics, Academic Medical Center
Classification: Benign. Review status: no assertion criteria provided. Collection method: clinical testing. Allele origin: germline. Affected: yes. Study: VKGL Data-share Consensus. Not counted in ClinVar's aggregate classification.

Diagnostic Laboratory, Department of Genetics, University Medical Center Groningen
Classification: Benign. Review status: no assertion criteria provided. Collection method: clinical testing. Allele origin: germline. Affected: yes. Study: VKGL Data-share Consensus. Not counted in ClinVar's aggregate classification.

Genome Diagnostics Laboratory, University Medical Center Utrecht
Classification: Benign. Review status: no assertion criteria provided. Collection method: clinical testing. Allele origin: germline. Affected: yes. Study: VKGL Data-share Consensus. Not counted in ClinVar's aggregate classification.

Joint Genome Diagnostic Labs from Nijmegen and Maastricht, Radboudumc and MUMC+
Classification: Benign. Review status: no assertion criteria provided. Collection method: clinical testing. Allele origin: germline. Affected: yes. Study: VKGL Data-share Consensus. Not counted in ClinVar's aggregate classification.

Laboratory of Diagnostic Genome Analysis, Leiden University Medical Center (LUMC)
Classification: Likely benign. Review status: no assertion criteria provided. Collection method: clinical testing. Allele origin: germline. Affected: yes. Study: VKGL Data-share Consensus. Not counted in ClinVar's aggregate classification.

Literature cited by the submitters: PubMed 29300372 (cited by ClinGen Cardiomyopathy Variant Curation Expert Panel).

NM_000257.4(MYH7):c.597A>G (p.Ala199=)

Gene: MYH7 (myosin heavy chain 7; minus strand). Cytogenetic location: 14q11.2.
Variant type: single nucleotide variant.
Coding change: c.597A>G on transcript NM_000257.4 (MANE Select); coding-DNA position 597, A replaced by G.
Protein change: p.Ala199=; no amino-acid change (alanine 199 retained).
Molecular consequence: synonymous variant.
Genome position (GRCh38, 1-based): chr14:23,431,803, T>C on the plus strand (A>G on the coding strand, the complement: MYH7 is on the minus strand). VCF-style: chr14-23431803-T-C. GRCh37 (hg19) VCF-style: chr14-23901012-T-C.
Other names: NM_000257.3(MYH7):c.597A>G.
Identifiers: ClinVar variation 43092 (VCV000043092.57), dbSNP rs2069541, ClinGen allele CA016520.
Genomic context (GRCh38, chr14:23,431,803, plus strand): 5'-GGAGGGCAGCAGGCCTACCTTGCCCGGGCTCTGGTCCTTCTTGCTGCGGTCCCCAATGGC[T>C]GCAATAACAGCAAAGTACTGGATGACCCTCTTGGTGTTGACTGTCTTCCCTGCTCCGGAT-3'
Protein context (NP_000248.2, residues 189-209): KRVIQYFAVI[Ala199=]AIGDRSKKDQ